The following is an entry in ClinVar:

ClinVar aggregate classification (germline): Benign (0 of 4 stars; one submission).

Conditions:
CHN2-related disorder. Also called: CHN2-related condition.

Allele frequency attached by ClinVar (database versions not stated): ESP Exome Variant Server 0.00085; ExAC 0.00114; 1000 Genomes Project 0.00140; 1000 Genomes Project 30x 0.00141.
gnomAD v4.1: 1,196 of 1,610,582 alleles (0.074%); highest among the groups gnomAD compares: Middle Eastern, 0.81%; 4 homozygotes.

Submission:

PreventionGenetics, part of Exact Sciences
Classification: Benign for CHN2-related condition. Last evaluated: 2019-06-13. Review status: no assertion criteria provided. Collection method: clinical testing. Allele origin: germline.
Comment: This variant is classified as benign based on ACMG/AMP sequence variant interpretation guidelines (Richards et al. 2015 PMID: 25741868, with internal and published modifications).

NM_004067.4(CHN2):c.834C>T (p.Asp278=)

Gene: CHN2 (chimerin 2; plus strand). Cytogenetic location: 7p14.3.
Variant type: single nucleotide variant.
Coding change: c.834C>T on transcript NM_004067.4 (MANE Select); coding-DNA position 834, C replaced by T.
Protein change: p.Asp278=; no amino-acid change (aspartic acid 278 retained).
Molecular consequence: synonymous variant. On other transcripts: non-coding transcript variant (1), intron variant (2).
Genome position (GRCh38, 1-based): chr7:29,499,961, C>T. VCF-style: chr7-29499961-C-T. GRCh37 (hg19) VCF-style: chr7-29539577-C-T.
Other names: NM_001293069.1:c.1059C>T; c.426C>T, p.Asp142= (NM_001039936.3, NM_001293077.2, NM_001293079.2 and 1 more transcripts); c.873C>T, p.Asp291= (NM_001293070.2); c.729C>T, p.Asp243= (NM_001293071.2); c.789C>T, p.Asp263= (NM_001293072.2); c.291C>T, p.Asp97= (NM_001293073.2, NM_001293075.2); c.213C>T, p.Asp71= (NM_001293081.2); c.396C>T, p.Asp132= (NM_001398427.1); and 1 more.
Identifiers: ClinVar variation 3033891 (VCV003033891.2), dbSNP rs145906178, ClinGen allele CA4202247.
Genomic context (GRCh38, chr7:29,499,961, plus strand): 5'-GCACGTTCCCAATGACTGCCAACCTGATCTCAAGAGGATCAAGAAAGTGTACTGTTGTGA[C>T]CTCACAACACTTGTGAAGGCTCACAACACTCAGAGACCCATGGTGGTAGACATATGCATT-3'
Protein context (NP_004058.1, residues 268-288): LKRIKKVYCC[Asp278=]LTTLVKAHNT